The following is an entry in ClinVar:

NM_133433.4(NIPBL):c.3533A>G (p.Gln1178Arg)

Gene: NIPBL (NIPBL cohesin loading factor; plus strand). Cytogenetic location: 5p13.2.
Variant type: single nucleotide variant.
Coding change: c.3533A>G on transcript NM_133433.4 (MANE Select); coding-DNA position 3533, A replaced by G.
Protein change: p.Gln1178Arg; replaces glutamine 1178 with arginine.
Molecular consequence: missense variant.
Genome position (GRCh38, 1-based): chr5:37,000,847, A>G. VCF-style: chr5-37000847-A-G. GRCh37 (hg19) VCF-style: chr5-37000949-A-G.
Other names: c.3533A>G, p.Gln1178Arg (NM_015384.5); short protein forms Q1178R.
Identifiers: ClinVar variation 2869583 (VCV002869583.24), dbSNP rs772932503, ClinGen allele CA3236362.
Genomic context (GRCh38, chr5:37,000,847, plus strand): 5'-CATTTCAGTACTTCTTTTTGTTCGTTTTAGTTGCTAGGAAAATGAAGAAAAAAGAAAAAC[A>G]GAAGAAAAGGAAAGCATATGAACCAAAACTAACACCTGAAGGTAACACGTTAGTTTATTT-3'
Protein context (NP_597677.2, residues 1168-1188): VARKMKKKEK[Gln1178Arg]KKRKAYEPKL

ClinVar aggregate classification (germline): Conflicting classifications of pathogenicity. Review status: criteria provided, conflicting classifications (1 of 4 stars). 2 submissions from 2 submitters: Uncertain significance (1); Likely benign (1). Last evaluated 2024-03-01.

Conditions:
Cornelia de Lange syndrome 1 (CDLS1). Also called: Brachmann de Lange syndrome; NIPBL-Related Cornelia de Lange Syndrome; TYPUS DEGENERATIVUS AMSTELODAMENSIS. Identifiers: Orphanet 199, MedGen C4551851, MONDO:0007387, OMIM 122470.

Allele frequency attached by ClinVar (database versions not stated): gnomAD exomes below 0.00001; ExAC 0.00001; gnomAD 0.00001.
gnomAD v4.1: 5 of 1,612,148 alleles (0.00031%); highest among the groups gnomAD compares: Admixed American, 0.0067%; no homozygotes.

Submissions (2):

CeGaT Center for Human Genetics Tuebingen
Classification: Likely benign. Last evaluated: 2024-03-01. Review status: criteria provided, single submitter. Criteria: CeGaT Center For Human Genetics Tuebingen Variant Classification Criteria Version 2. Collection method: clinical testing. Allele origin: germline. Affected: yes. Observed: 1 variant allele.
Comment: NIPBL: PP3, BS2

Labcorp Genetics (formerly Invitae), Labcorp
Classification: Uncertain significance for Cornelia de Lange syndrome 1. Last evaluated: 2023-03-31. Review status: criteria provided, single submitter. Criteria: Invitae Variant Classification Sherloc (09022015). Collection method: clinical testing. Allele origin: germline.
Comment: Advanced modeling of protein sequence and biophysical properties (such as structural, functional, and spatial information, amino acid conservation, physicochemical variation, residue mobility, and thermodynamic stability) has been performed at Invitae for this missense variant, however the output from this modeling did not meet the statistical confidence thresholds required to predict the impact of this variant on NIPBL protein function. This sequence change replaces glutamine, which is neutral and polar, with arginine, which is basic and polar, at codon 1178 of the NIPBL protein (p.Gln1178Arg). This variant is present in population databases (rs772932503, gnomAD 0.009%). This variant has not been reported in the literature in individuals affected with NIPBL-related conditions. In summary, the available evidence is currently insufficient to determine the role of this variant in disease. Therefore, it has been classified as a Variant of Uncertain Significance.